The following continues an entry in ClinVar:

NM_000218.3(KCNQ1):c.1124_1127del (p.Ile375fs)

Gene: KCNQ1. ClinVar aggregate classification (germline): Pathogenic. Pathogenic (13).

Submissions 12 to 15 of 15:

Institute for Genomic Medicine (IGM) Clinical Laboratory, Nationwide Children's Hospital
Classification: Pathogenic for Cardiovascular phenotype. Last evaluated: 2017-12-20. Review status: criteria provided, single submitter. Criteria: ACMG Guidelines, 2015. Collection method: clinical testing. Allele origin: germline. Affected: yes.
Comment: PVS1, PM2, PP5; This variant identified in exon 8 of KCNQ1 involves the deletion of four coding bases (c.1124_1127delTTCA) that results in a shift in the reading frame and introduces a premature termination of the protein 43 amino acids downstream (p.Ile375Ter43). This alteration is absent from healthy populations, and has been classified as a pathogenic alteration by other clinical testing laboratories (SCV000234581.12; SCV000695982.1). No evidence was found to support any of the ACMG Benign criteria; therefore, this alteration meets ACMG guidelines for classification as a pathogenic variant.

Women's Health and Genetics/Laboratory Corporation of America, LabCorp
Classification: Pathogenic for Cardiovascular phenotype. Last evaluated: 2017-03-27. Review status: criteria provided, single submitter. Criteria: LabCorp Variant Classification Summary - May 2015. Collection method: clinical testing. Allele origin: germline.
Comment: Variant summary: The c.1124_1127delTTCA (p.Ile375Argfs) variant in KCNQ1 gene is a frameshift change that results in the loss of the 780 amino acids of CPT (~35%). This change is predicted to cause loss of normal protein function through protein truncation or nonsense-mediated mRNA decay. The variant is absent from the large control population datasets of ExAC and gnomAD (120414 and 246038 chrs, respectively). The variant has been reported in at least two LQTS families with maternal lineage of inheritance (Itah, 2016) and another unrelated affected individual (Tester, 2005). In addition, it has been cited as Pathogenic by a reputable databases/clinical laboratories. Taking together, the variant was classified as Pathogenic.

Clinical Genetics, Academic Medical Center
Classification: Pathogenic. Review status: no assertion criteria provided. Collection method: clinical testing. Allele origin: germline. Affected: yes. Study: VKGL Data-share Consensus. Not counted in ClinVar's aggregate classification.

Joint Genome Diagnostic Labs from Nijmegen and Maastricht, Radboudumc and MUMC+
Classification: Pathogenic. Review status: no assertion criteria provided. Collection method: clinical testing. Allele origin: germline. Affected: yes. Study: VKGL Data-share Consensus. Not counted in ClinVar's aggregate classification.

Literature cited by the submitters: PubMed 9323054 (cited by Labcorp Genetics (formerly Invitae), Labcorp and All of Us Research Program, National Institutes of Health); PubMed 19862833 (cited by 3 submitters); PubMed 15840476 (cited by 6 submitters); PubMed 28532774 (cited by 4 submitters); PubMed 26669661 (cited by 3 submitters); PubMed 30291343 (cited by Color Diagnostics, LLC DBA Color Health and AiLife Diagnostics); PubMed 32893267 (cited by Color Diagnostics, LLC DBA Color Health); PubMed 36721196 (cited by Color Diagnostics, LLC DBA Color Health and All of Us Research Program, National Institutes of Health); PubMed 19632626 (cited by Victorian Clinical Genetics Services, Murdoch Childrens Research Institute); PubMed 20301308 (cited by Victorian Clinical Genetics Services, Murdoch Childrens Research Institute); PubMed 28438721 (cited by Victorian Clinical Genetics Services, Murdoch Childrens Research Institute).